The following is an entry in ClinVar:

ClinVar aggregate classification (germline): Uncertain significance (1 of 4 stars; one submission).

Conditions:
Early-infantile DEE. Also called: Early infantile epileptic encephalopathy; Early infantile epileptic encephalopathy with suppression bursts; Ohtahara syndrome. Identifiers: Orphanet 1934, MedGen C0393706, MONDO:0800491.

Allele frequency attached by ClinVar (database versions not stated): gnomAD exomes below 0.00001.
gnomAD v4.1: 1 of 1,613,630 alleles (0.000062%); highest among the groups gnomAD compares: Admixed American, 0.0017%; no homozygotes.

Submission:

Labcorp Genetics (formerly Invitae), Labcorp
Classification: Uncertain significance for Early-infantile DEE. Last evaluated: 2026-01-19. Review status: criteria provided, single submitter. Criteria: Invitae Variant Classification Sherloc (09022015). Collection method: clinical testing. Allele origin: germline.
Comment: This sequence change replaces glutamine, which is neutral and polar, with histidine, which is basic and polar, at codon 663 of the HCN1 protein (p.Gln663His). This variant is not present in population databases (gnomAD no frequency). This variant has not been reported in the literature in individuals affected with HCN1-related conditions. ClinVar contains an entry for this variant (Variation ID: 2841136). Invitae Evidence Modeling of protein sequence and biophysical properties (such as structural, functional, and spatial information, amino acid conservation, physicochemical variation, residue mobility, and thermodynamic stability) indicates that this missense variant is not expected to disrupt HCN1 protein function with a negative predictive value of 95%. In summary, the available evidence is currently insufficient to determine the role of this variant in disease. Therefore, it has been classified as a Variant of Uncertain Significance.

NM_021072.4(HCN1):c.1989A>T (p.Gln663His)

Gene: HCN1 (hyperpolarization activated cyclic nucleotide gated potassium channel 1; minus strand). Cytogenetic location: 5p12.
Variant type: single nucleotide variant.
Coding change: c.1989A>T on transcript NM_021072.4 (MANE Select); coding-DNA position 1989, A replaced by T.
Protein change: p.Gln663His; replaces glutamine 663 with histidine.
Molecular consequence: missense variant.
Genome position (GRCh38, 1-based): chr5:45,262,605, T>A on the plus strand (A>T on the coding strand, the complement: HCN1 is on the minus strand). VCF-style: chr5-45262605-T-A. GRCh37 (hg19) VCF-style: chr5-45262707-T-A.
Other names: short protein forms Q663H.
Identifiers: ClinVar variation 2841136 (VCV002841136.3), dbSNP rs1407905128, ClinGen allele CA359704278.